The following is an entry in ClinVar:

ClinVar aggregate classification (germline): Uncertain significance (1 of 4 stars; one submission).

Allele frequency attached by ClinVar (database versions not stated): gnomAD exomes below 0.00001.
gnomAD v4.1: 5 of 1,614,154 alleles (0.00031%); highest among the groups gnomAD compares: Non-Finnish European, 0.00034%; no homozygotes.

Submission:

Labcorp Genetics (formerly Invitae), Labcorp
Classification: Uncertain significance. Last evaluated: 2023-12-11. Review status: criteria provided, single submitter. Criteria: Invitae Variant Classification Sherloc (09022015). Collection method: clinical testing. Allele origin: germline.
Comment: This sequence change replaces valine, which is neutral and non-polar, with alanine, which is neutral and non-polar, at codon 2938 of the PCNT protein (p.Val2938Ala). This variant is not present in population databases (gnomAD no frequency). This variant has not been reported in the literature in individuals affected with PCNT-related conditions. ClinVar contains an entry for this variant (Variation ID: 1923339). An algorithm developed to predict the effect of missense changes on protein structure and function (PolyPhen-2) suggests that this variant is likely to be disruptive. In summary, the available evidence is currently insufficient to determine the role of this variant in disease. Therefore, it has been classified as a Variant of Uncertain Significance.

NM_006031.6(PCNT):c.8813T>C (p.Val2938Ala)

Gene: PCNT (pericentrin; plus strand). Cytogenetic location: 21q22.3.
Variant type: single nucleotide variant.
Coding change: c.8813T>C on transcript NM_006031.6 (MANE Select); coding-DNA position 8813, T replaced by C.
Protein change: p.Val2938Ala; replaces valine 2938 with alanine.
Molecular consequence: missense variant.
Genome position (GRCh38, 1-based): chr21:46,435,965, T>C. VCF-style: chr21-46435965-T-C. GRCh37 (hg19) VCF-style: chr21-47855878-T-C.
Other names: c.8222T>C, p.Val2741Ala (NM_001315529.2); short protein forms V2938A, V2741A.
Identifiers: ClinVar variation 1923339 (VCV001923339.3), dbSNP rs973371229, ClinGen allele CA322019725.